The following is an entry in ClinVar:

NM_016341.4(PLCE1):c.-165T>C

Gene: PLCE1 (phospholipase C epsilon 1; plus strand). Cytogenetic location: 10q23.33.
Variant type: single nucleotide variant.
Coding change: c.-165T>C on transcript NM_016341.4 (MANE Select); 165 bases upstream of the start codon, T replaced by C.
Molecular consequence: 5 prime UTR variant.
Genome position (GRCh38, 1-based): chr10:94,030,882, T>C. VCF-style: chr10-94030882-T-C. GRCh37 (hg19) VCF-style: chr10-95790639-T-C.
Other names: c.-165T>C (NM_001288989.2).
Identifiers: ClinVar variation 301674 (VCV000301674.6), dbSNP rs183919560, ClinGen allele CA10632905.
Genomic context (GRCh38, chr10:94,030,882, plus strand): 5'-TTAAAACCCTGATCTAGAAAAAATATATATTCATGATAGGAAGTTATAACTAAGAAAATT[T>C]ATTTGCCTCTTAATGCTCCTGAATGAAAGGAATTATCCCTTTGTTCTTTGGGAGGACTTG-3'

ClinVar aggregate classification (germline): Likely benign. Review status: criteria provided, multiple submitters, no conflicts (2 of 4 stars). 2 submissions from 2 submitters: Likely benign (2). Last evaluated 2018-01-13.

Conditions:
Nephrotic syndrome, type 3 (NPHS3). Also called: NEPHROTIC SYNDROME, EARLY-ONSET, TYPE 3. Identifiers: Orphanet 656, MedGen C1853124, MONDO:0012546, OMIM 610725.

Allele frequency attached by ClinVar (database versions not stated): 1000 Genomes Project 30x 0.00328; gnomAD 0.00370 and 0.00397; TOPMed 0.00410; gnomAD exomes 0.00040; 1000 Genomes Project 0.00260.
gnomAD v4.1: 798 of 677,556 alleles (0.12%); highest among the groups gnomAD compares: African/African-American, 1.2%; 2 homozygotes.

Submissions (2):

Illumina Laboratory Services, Illumina
Classification: Likely benign for Nephrotic syndrome, type 3. Last evaluated: 2018-01-13. Review status: criteria provided, single submitter. Criteria: ICSL Variant Classification Criteria 13 December 2019. Collection method: clinical testing. Allele origin: germline.
Comment: This variant was observed in the ICSL laboratory as part of a predisposition screen in an ostensibly healthy population. It had not been previously curated by ICSL or reported in the Human Gene Mutation Database (HGMD: prior to June 1st, 2018), and was therefore a candidate for classification through an automated scoring system. Utilizing variant allele frequency, disease prevalence and penetrance estimates, and inheritance mode, an automated score was calculated to assess if this variant is too frequent to cause the disease. Based on the score and internal cut-off values, a variant classified as likely benign is not then subjected to further curation. The score for this variant resulted in a classification of likely benign for this disease.

Breakthrough Genomics
Classification: Likely benign. Review status: criteria provided, single submitter. Criteria: ACMG Guidelines, 2015. Collection method: not provided. Allele origin: germline. Inheritance: Autosomal recessive inheritance. Affected: yes.